The following is an entry in ClinVar:

ClinVar aggregate classification (germline): Benign/Likely benign. Review status: criteria provided, multiple submitters, no conflicts (2 of 4 stars). 7 submissions from 7 submitters: Benign (1); Likely benign (5). 1 of the submissions does not count toward it. Last evaluated 2026-03-01.

Conditions:
Connective tissue disorder. Also called: Connective tissue disease. Identifiers: MedGen C0009782, MONDO:0003900.
SOX9-related disorder. Also called: SOX9-related condition.
Camptomelic dysplasia (CMPD). Also called: Campomelic Dysplasia; CMPD1/SRA1. Identifiers: Orphanet 140, MedGen C1861922, MONDO:0007251, OMIM 114290.

Allele frequency attached by ClinVar (database versions not stated): 1000 Genomes Project 30x 0.00016; gnomAD exomes 0.00023 and 0.00049; TOPMed 0.00028; ExAC 0.00033; gnomAD 0.00035 and 0.00037.
gnomAD v4.1: 725 of 1,482,230 alleles (0.049%); highest among the groups gnomAD compares: Non-Finnish European, 0.059%; 1 homozygote.

Submissions (7):

CeGaT Center for Human Genetics Tuebingen
Classification: Likely benign. Last evaluated: 2026-03-01. Review status: criteria provided, single submitter. Criteria: CeGaT Center For Human Genetics Tuebingen Variant Classification Criteria Version 2. Collection method: clinical testing. Allele origin: germline. Affected: yes. Observed: 2 variant alleles.
Comment: SOX9: PP3, BS2

Labcorp Genetics (formerly Invitae), Labcorp
Classification: Likely benign for Camptomelic dysplasia. Last evaluated: 2025-09-01. Review status: criteria provided, single submitter. Criteria: Invitae Variant Classification Sherloc (09022015). Collection method: clinical testing. Allele origin: germline.

Blueprint Genetics
Classification: Likely benign. Last evaluated: 2024-11-06. Review status: criteria provided, single submitter. Criteria: ACMG Guidelines, 2015. Collection method: clinical testing. Allele origin: germline.

GeneDx
Classification: Likely benign. Last evaluated: 2022-11-04. Review status: criteria provided, single submitter. Criteria: GeneDx Variant Classification Process June 2021. Collection method: clinical testing. Allele origin: germline. Affected: yes.
Comment: In silico analysis supports that this missense variant does not alter protein structure/function; Has not been previously published to our knowledge in association with skeletal dysplasia; This variant is associated with the following publications: (PMID: 30773290)

Genome Diagnostics Laboratory, The Hospital for Sick Children
Classification: Benign for Connective tissue disorder. Last evaluated: 2021-02-12. Review status: criteria provided, single submitter. Criteria: ACMG Guidelines, 2015. Collection method: clinical testing. Allele origin: germline.

ARUP Laboratories, Molecular Genetics and Genomics, ARUP Laboratories
Classification: Likely benign. Last evaluated: 2020-04-30. Review status: criteria provided, single submitter. Criteria: ARUP Molecular Germline Variant Investigation Process. Collection method: clinical testing. Allele origin: germline.

PreventionGenetics, part of Exact Sciences
Classification: Likely benign for SOX9-related condition. Last evaluated: 2022-10-24. Review status: no assertion criteria provided. Collection method: clinical testing. Allele origin: germline. Not counted in ClinVar's aggregate classification.
Comment: This variant is classified as likely benign based on ACMG/AMP sequence variant interpretation guidelines (Richards et al. 2015 PMID: 25741868, with internal and published modifications).

NM_000346.4(SOX9):c.1033C>T (p.Pro345Ser)

Gene: SOX9 (SRY-box transcription factor 9; plus strand). Cytogenetic location: 17q24.3.
Variant type: single nucleotide variant.
Coding change: c.1033C>T on transcript NM_000346.4 (MANE Select); coding-DNA position 1033, C replaced by T.
Protein change: p.Pro345Ser; replaces proline 345 with serine.
Molecular consequence: missense variant.
Genome position (GRCh38, 1-based): chr17:72,123,890, C>T. VCF-style: chr17-72123890-C-T. GRCh37 (hg19) VCF-style: chr17-70120031-C-T.
Other names: short protein forms P345S.
Identifiers: ClinVar variation 618379 (VCV000618379.34), dbSNP rs768818630, ClinGen allele CA8739079.
Genomic context (GRCh38, chr17:72,123,890, plus strand): 5'-GCGGCCACCCCGGCGAGCGCGGGCCACGTGTGGATGTCCAAGCAGCAGGCGCCGCCGCCA[C>T]CCCCGCAGCAGCCCCCACAGGCCCCGCCGGCCCCGCAGGCGCCCCCGCAGCCGCAGGCGG-3'
Protein context (NP_000337.1, residues 335-355): WMSKQQAPPP[Pro345Ser]PQQPPQAPPA